The following is an entry in ClinVar:

NM_001267550.2(TTN):c.28204C>T (p.Arg9402Cys)

Gene: TTN (titin; minus strand). Cytogenetic location: 2q31.2.
Variant type: single nucleotide variant.
Coding change: c.28204C>T on transcript NM_001267550.2 (MANE Select); coding-DNA position 28204, C replaced by T.
Protein change: p.Arg9402Cys; replaces arginine 9402 with cysteine.
Molecular consequence: missense variant. On other transcripts: intron variant (3).
Genome position (GRCh38, 1-based): chr2:178,710,893, G>A on the plus strand (C>T on the coding strand, the complement: TTN is on the minus strand). VCF-style: chr2-178710893-G-A. GRCh37 (hg19) VCF-style: chr2-179575620-G-A.
Other names: c.27253C>T, p.Arg9085Cys (NM_001256850.1); c.24472C>T, p.Arg8158Cys (NM_133378.4); c.13282+27189C>T (NM_003319.4); c.13858+27189C>T (NM_133437.4); c.13657+27189C>T (NM_133432.3); short protein forms R8158C, R9085C, R9402C.
Identifiers: ClinVar variation 1284393 (VCV001284393.7), dbSNP rs369553799, ClinGen allele CA1999635.

ClinVar aggregate classification (germline): Uncertain significance. Review status: criteria provided, multiple submitters, no conflicts (2 of 4 stars). 5 submissions from 5 submitters: Uncertain significance (2). 3 of the submissions do not count toward it. Last evaluated 2025-04-24.

Allele frequency attached by ClinVar (database versions not stated): ExAC 0.00002; gnomAD 0.00003; gnomAD exomes 0.00003; TOPMed 0.00004; ESP Exome Variant Server 0.00008.
gnomAD v4.1: 42 of 1,613,296 alleles (0.0026%); highest among the groups gnomAD compares: African/African-American, 0.0067%; no homozygotes.

Submissions (5):

Women's Health and Genetics/Laboratory Corporation of America, LabCorp
Classification: Uncertain significance. Last evaluated: 2025-04-24. Review status: criteria provided, single submitter. Criteria: LabCorp Variant Classification Summary - May 2015. Collection method: clinical testing. Allele origin: germline.
Comment: Variant summary: TTN c.24472C>T (p.Arg8158Cys) results in a non-conservative amino acid change in the encoded protein sequence. Two of three in-silico tools predict a benign effect of the variant on protein function. The variant allele was found at a frequency of 2.8e-05 in 247870 control chromosomes. The available data on variant occurrences in the general population are insufficient to allow any conclusion about variant significance. To our knowledge, no occurrence of c.24472C>T in individuals affected with Autosomal Recessive Titinopathy and no experimental evidence demonstrating its impact on protein function have been reported. ClinVar contains an entry for this variant (Variation ID: 1284393). Based on the evidence outlined above, the variant was classified as uncertain significance.

Revvity Omics, Revvity
Classification: Uncertain significance. Last evaluated: 2023-08-03. Review status: criteria provided, single submitter. Criteria: ACMG Guidelines, 2015. Collection method: clinical testing. Allele origin: germline.

Clinical Genetics DNA and cytogenetics Diagnostics Lab, Erasmus MC, Erasmus Medical Center
Classification: Uncertain significance. Review status: no assertion criteria provided. Collection method: clinical testing. Allele origin: germline. Affected: yes. Study: VKGL Data-share Consensus. Not counted in ClinVar's aggregate classification.

Clinical Genetics, Academic Medical Center
Classification: Uncertain significance. Review status: no assertion criteria provided. Collection method: clinical testing. Allele origin: germline. Affected: yes. Study: VKGL Data-share Consensus. Not counted in ClinVar's aggregate classification.

Diagnostic Laboratory, Department of Genetics, University Medical Center Groningen
Classification: Uncertain significance. Review status: no assertion criteria provided. Collection method: clinical testing. Allele origin: germline. Affected: yes. Study: VKGL Data-share Consensus. Not counted in ClinVar's aggregate classification.